The following is an entry in ClinVar:

NM_024675.4(PALB2):c.2919_2920insG (p.Lys974fs)

Gene: PALB2 (partner and localizer of BRCA2; minus strand). Cytogenetic location: 16p12.2.
Variant type: Insertion.
Coding change: c.2919_2920insG on transcript NM_024675.4 (MANE Select); coding-DNA positions 2919 to 2920, G inserted.
Protein change: p.Lys974fs; shifts the reading frame from lysine 974.
Molecular consequence: frameshift variant. On other transcripts: intron variant (1).
Genome position: GRCh38 VCF-style: chr16-23623045-T-TC. GRCh37 (hg19) VCF-style: chr16-23634366-T-TC.
Other names: c.2859_2860insG, p.Lys954fs (NM_001407296.1); c.2847_2848insG, p.Lys950fs (NM_001407297.1); c.2757_2758insG, p.Lys920fs (NM_001407298.1, NM_001407302.1); c.2919_2920insG, p.Lys974fs (NM_001407299.1, NM_001407301.1); c.2034_2035insG, p.Lys679fs (NM_001407304.1, NM_001407305.1, NM_001407306.1 and 4 more transcripts); c.1872_1873insG, p.Lys625fs (NM_001407307.1); c.1131_1132insG, p.Lys378fs (NM_001407312.1, NM_001407313.1); c.453_454insG, p.Lys152fs (NM_001407314.1); and 1 more; short protein forms K679fs, K152fs, K625fs, K920fs, K378fs, K974fs, K950fs, K954fs.
Identifiers: ClinVar variation 2865293 (VCV002865293.4), dbSNP rs2506334991, ClinGen allele CA2739266665.

ClinVar aggregate classification (germline): Pathogenic. Review status: criteria provided, multiple submitters, no conflicts (2 of 4 stars). 2 submissions from 2 submitters: Pathogenic (2). Last evaluated 2026-04-13.

Conditions:
Hereditary cancer-predisposing syndrome. Also called: Hereditary neoplastic syndrome; Neoplastic Syndromes, Hereditary; Tumor predisposition; Hereditary Cancer Syndrome. Identifiers: Orphanet 140162, MedGen C0027672, MeSH D009386, MONDO:0015356.
Familial cancer of breast. Also called: hereditary breast carcinoma; BREAST CANCER, FAMILIAL; Hereditary breast cancer. Identifiers: Orphanet 227535, MedGen C0346153, MONDO:0016419, OMIM 114480. Disease mechanism: loss of function.

Submissions (2):

Ambry Genetics
Classification: Pathogenic for Hereditary cancer-predisposing syndrome. Last evaluated: 2026-04-13. Review status: criteria provided, single submitter. Criteria: Ambry Variant Classification Scheme 2023. Collection method: clinical testing. Allele origin: germline.
Comment: The c.2919_2920insG pathogenic mutation, located in coding exon 9 of the PALB2 gene, results from an insertion of one nucleotide at position 2919, causing a translational frameshift with a predicted alternate stop codon (p.K974Efs*6). This variant is considered to be rare based on population cohorts in the Genome Aggregation Database (gnomAD). This variant is expected to result in loss of function by premature protein truncation or nonsense-mediated mRNA decay. As such, this variant is interpreted as a disease-causing mutation.

Labcorp Genetics (formerly Invitae), Labcorp
Classification: Pathogenic for Familial cancer of breast. Last evaluated: 2023-05-17. Review status: criteria provided, single submitter. Criteria: Invitae Variant Classification Sherloc (09022015). Collection method: clinical testing. Allele origin: germline.
Comment: This sequence change creates a premature translational stop signal (p.Lys974Glufs*6) in the PALB2 gene. It is expected to result in an absent or disrupted protein product. Loss-of-function variants in PALB2 are known to be pathogenic (PMID: 17200668, 17200671, 17200672, 24136930, 25099575). This variant is not present in population databases (gnomAD no frequency). This variant has not been reported in the literature in individuals affected with PALB2-related conditions. For these reasons, this variant has been classified as Pathogenic.

Literature cited by the submitters: PubMed 17200668 (cited by Labcorp Genetics (formerly Invitae), Labcorp); PubMed 17200671 (cited by Labcorp Genetics (formerly Invitae), Labcorp); PubMed 17200672 (cited by Labcorp Genetics (formerly Invitae), Labcorp); PubMed 24136930 (cited by Labcorp Genetics (formerly Invitae), Labcorp); PubMed 25099575 (cited by Labcorp Genetics (formerly Invitae), Labcorp).